The following is an entry in ClinVar:

ClinVar aggregate classification (germline): Uncertain significance (1 of 4 stars; one submission).

Conditions:
Spongy degeneration of central nervous system. Also called: ACY2 DEFICIENCY; AMINOACYLASE 2 DEFICIENCY; ASP DEFICIENCY; ASPA DEFICIENCY; ASPARTOACYLASE DEFICIENCY; CANAVAN-VAN BOGAERT-BERTRAND DISEASE. Identifiers: Orphanet 141, MedGen C0206307, MONDO:0010079, OMIM 271900.

Allele frequency attached by ClinVar (database versions not stated): TOPMed 0.00001; gnomAD exomes 0.00001.
gnomAD v4.1: 3 of 1,613,916 alleles (0.00019%); highest among the groups gnomAD compares: Admixed American, 0.005%; no homozygotes.

Submission:

Labcorp Genetics (formerly Invitae), Labcorp
Classification: Uncertain significance for Spongy degeneration of central nervous system. Last evaluated: 2022-05-30. Review status: criteria provided, single submitter. Criteria: Invitae Variant Classification Sherloc (09022015). Collection method: clinical testing. Allele origin: germline.
Comment: This sequence change replaces cysteine, which is neutral and slightly polar, with tyrosine, which is neutral and polar, at codon 310 of the ASPA protein (p.Cys310Tyr). This variant is present in population databases (no rsID available, gnomAD 0.009%). This variant has not been reported in the literature in individuals affected with ASPA-related conditions. Advanced modeling of protein sequence and biophysical properties (such as structural, functional, and spatial information, amino acid conservation, physicochemical variation, residue mobility, and thermodynamic stability) performed at Invitae indicates that this missense variant is not expected to disrupt ASPA protein function. In summary, the available evidence is currently insufficient to determine the role of this variant in disease. Therefore, it has been classified as a Variant of Uncertain Significance.

NM_000049.4(ASPA):c.929G>A (p.Cys310Tyr)

Genes: ASPA (aspartoacylase; plus strand), SPATA22 (spermatogenesis associated 22; minus strand). Cytogenetic location: 17p13.2.
Variant type: single nucleotide variant.
Coding change: c.929G>A on transcript NM_000049.4 (MANE Select); coding-DNA position 929, G replaced by A.
Protein change: p.Cys310Tyr; replaces cysteine 310 with tyrosine.
Molecular consequence: missense variant. On other transcripts: intron variant (2).
Genome position (GRCh38, 1-based): chr17:3,499,075, G>A. VCF-style: chr17-3499075-G-A. GRCh37 (hg19) VCF-style: chr17-3402369-G-A.
Other names: c.929G>A, p.Cys310Tyr (NM_001128085.1); c.-74+14337C>T (NM_001321336.2, NM_001321337.2); short protein forms C310Y.
Identifiers: ClinVar variation 2415465 (VCV002415465.40), dbSNP rs1350858778, ClinGen allele CA397688382.